The following is an entry in ClinVar:

NM_002739.5(PRKCG):c.667T>A (p.Trp223Arg)

Gene: PRKCG (protein kinase C gamma; plus strand). Cytogenetic location: 19q13.42.
Variant type: single nucleotide variant.
Coding change: c.667T>A on transcript NM_002739.5 (MANE Select); coding-DNA position 667, T replaced by A.
Protein change: p.Trp223Arg; replaces tryptophan 223 with arginine.
Molecular consequence: missense variant.
Genome position (GRCh38, 1-based): chr19:53,891,811, T>A. VCF-style: chr19-53891811-T-A. GRCh37 (hg19) VCF-style: chr19-54395065-T-A.
Other names: c.667T>A, p.Trp223Arg (NM_001316329.2); short protein forms W223R.
Identifiers: ClinVar variation 4846911 (VCV004846911.1).

ClinVar aggregate classification (germline): Uncertain significance (1 of 4 stars; one submission).

Conditions:
Spinocerebellar ataxia type 14 (SCA14). Identifiers: Orphanet 98763, MedGen C1854369, MONDO:0011540, OMIM 605361.

Submission:

Laboratorio de Genetica e Diagnostico Molecular, Hospital Israelita Albert Einstein
Classification: Uncertain significance for Spinocerebellar ataxia type 14. Last evaluated: 2025-06-10. Review status: criteria provided, single submitter. Criteria: ACMG Guidelines, 2015. Collection method: clinical testing. Allele origin: germline. Affected: yes.
Comment: ACMG classification criteria: PM2 supporting, PP2 supporting, PP3 supporting